The following is an entry in ClinVar:

ClinVar aggregate classification (germline): Uncertain significance (1 of 4 stars; one submission).

Submission:

Ambry Genetics
Classification: Uncertain significance. Last evaluated: 2024-07-15. Review status: criteria provided, single submitter. Criteria: Ambry Variant Classification Scheme 2023. Collection method: clinical testing. Allele origin: germline.
Comment: The p.H315Q variant (also known as c.945C>A), located in coding exon 9 of the FAM175A gene, results from a C to A substitution at nucleotide position 945. The histidine at codon 315 is replaced by glutamine, an amino acid with highly similar properties. This amino acid position is conserved. In addition, this alteration is predicted to be tolerated by in silico analysis. Based on the available evidence, the clinical significance of this variant remains unclear.

NM_139076.3(ABRAXAS1):c.945C>A (p.His315Gln)

Gene: ABRAXAS1 (abraxas 1, BRCA1 A complex subunit; minus strand). Cytogenetic location: 4q21.23.
Variant type: single nucleotide variant.
Coding change: c.945C>A on transcript NM_139076.3 (MANE Select); coding-DNA position 945, C replaced by A.
Protein change: p.His315Gln; replaces histidine 315 with glutamine.
Molecular consequence: missense variant.
Genome position (GRCh38, 1-based): chr4:83,462,754, G>T on the plus strand (C>A on the coding strand, the complement: ABRAXAS1 is on the minus strand). VCF-style: chr4-83462754-G-T. GRCh37 (hg19) VCF-style: chr4-84383907-G-T.
Other names: c.618C>A, p.His206Gln (NM_001345962.2); short protein forms H206Q, H315Q.
Identifiers: ClinVar variation 3446134 (VCV003446134.1).